The following is an entry in ClinVar:

NM_001376.5(DYNC1H1):c.4943C>G (p.Ala1648Gly)

Gene: DYNC1H1 (dynein cytoplasmic 1 heavy chain 1; plus strand). Cytogenetic location: 14q32.31.
Variant type: single nucleotide variant.
Coding change: c.4943C>G on transcript NM_001376.5 (MANE Select); coding-DNA position 4943, C replaced by G.
Protein change: p.Ala1648Gly; replaces alanine 1648 with glycine.
Molecular consequence: missense variant.
Genome position (GRCh38, 1-based): chr14:102,004,577, C>G. VCF-style: chr14-102004577-C-G. GRCh37 (hg19) VCF-style: chr14-102470914-C-G.
Other names: short protein forms A1648G.
Identifiers: ClinVar variation 1423578 (VCV001423578.6), dbSNP rs2048175185, ClinGen allele CA391045009.

ClinVar aggregate classification (germline): Uncertain significance (1 of 4 stars; one submission).

Conditions:
Charcot-Marie-Tooth disease axonal type 2O. Also called: CHARCOT-MARIE-TOOTH NEUROPATHY, AXONAL, TYPE 2O; CHARCOT-MARIE-TOOTH DISEASE, AXONAL, AUTOSOMAL DOMINANT, TYPE 2O; Charcot-Marie-Tooth Neuropathy Type 2O; Charcot-Marie-Tooth disease, axonal, type 20. Identifiers: Orphanet 284232, MedGen C3280220, MONDO:0013644, OMIM 614228.

Allele frequency attached by ClinVar (database versions not stated): gnomAD 0.00001.
gnomAD v4.1: 1 of 1,613,932 alleles (0.000062%); highest among the groups gnomAD compares: African/African-American, 0.0013%; no homozygotes.

Submission:

Labcorp Genetics (formerly Invitae), Labcorp
Classification: Uncertain significance for Charcot-Marie-Tooth disease axonal type 2O. Last evaluated: 2022-09-13. Review status: criteria provided, single submitter. Criteria: Invitae Variant Classification Sherloc (09022015). Collection method: clinical testing. Allele origin: germline.
Comment: In summary, the available evidence is currently insufficient to determine the role of this variant in disease. Therefore, it has been classified as a Variant of Uncertain Significance. Algorithms developed to predict the effect of sequence changes on RNA splicing suggest that this variant may create or strengthen a splice site. Advanced modeling of protein sequence and biophysical properties (such as structural, functional, and spatial information, amino acid conservation, physicochemical variation, residue mobility, and thermodynamic stability) performed at Invitae indicates that this missense variant is not expected to disrupt DYNC1H1 protein function. ClinVar contains an entry for this variant (Variation ID: 1423578). This variant has not been reported in the literature in individuals affected with DYNC1H1-related conditions. This variant is not present in population databases (gnomAD no frequency). This sequence change replaces alanine, which is neutral and non-polar, with glycine, which is neutral and non-polar, at codon 1648 of the DYNC1H1 protein (p.Ala1648Gly).